The following is an entry in ClinVar:

NM_007294.4(BRCA1):c.1347del (p.Lys450fs)

Gene: BRCA1 (BRCA1 DNA repair associated; minus strand). Cytogenetic location: 17q21.31.
Variant type: Deletion.
Coding change: c.1347del on transcript NM_007294.4 (MANE Select); coding-DNA position 1347, one base deleted (C; older notation c.1347delC).
Protein change: p.Lys450fs; shifts the reading frame from lysine 450.
Molecular consequence: frameshift variant. On other transcripts: intron variant (137).
Genome position (GRCh38, 1-based): chr17:43,094,184, G deleted on the plus strand (C on the coding strand, the reverse complement: BRCA1 is on the minus strand); the first of 2 consecutive G bases (chr17:43,094,184-43,094,185); deleting either gives the same sequence. VCF-style (leftmost placement, unchanged base first): chr17-43094183-TG-T. GRCh37 (hg19) VCF-style: chr17-41246200-TG-T.
Other names: 1466delC-ter452; c.1134del, p.Lys379fs (NM_001407571.1, NM_001407853.1, NM_001407894.1 and 9 more transcripts); c.1347del, p.Lys450fs (NM_001407581.1, NM_001407582.1, NM_001407583.1 and 30 more transcripts); c.1344del, p.Lys449fs (NM_001407587.1, NM_001407590.1, NM_001407591.1 and 22 more transcripts); c.1338del, p.Lys447fs (NM_001407646.1, NM_001407647.1); c.1224del, p.Lys409fs (NM_001407648.1, NM_001407664.1, NM_001407665.1 and 19 more transcripts); c.1221del, p.Lys408fs (NM_001407649.1, NM_001407670.1, NM_001407671.1 and 11 more transcripts); c.1269del, p.Lys424fs (NM_001407653.1, NM_001407654.1, NM_001407655.1 and 4 more transcripts); and 42 more; short protein forms K450fs, K403fs, K154fs, K322fs, K383fs, K402fs, K409fs, K423fs.
Identifiers: ClinVar variation 266159 (VCV000266159.6), dbSNP rs886039945, ClinGen allele CA10589945.

ClinVar aggregate classification (germline): Pathogenic. Review status: reviewed by expert panel (3 of 4 stars). 2 submissions from 2 submitters: Pathogenic (1). 1 of the submissions does not count toward it. Last evaluated 2016-10-18.

Conditions:
Breast-ovarian cancer, familial, susceptibility to, 1 (BROVCA1). Also called: BRCA1 Hereditary Breast and Ovarian Cancer; OVARIAN CANCER, SUSCEPTIBILITY TO. Identifiers: Orphanet 145, MedGen C2676676, MONDO:0011450, OMIM 604370. Disease mechanism: loss of function.

Submissions (2):

Evidence-based Network for the Interpretation of Germline Mutant Alleles (ENIGMA)
Classification: Pathogenic for Breast-ovarian cancer, familial, susceptibility to, 1. Last evaluated: 2016-10-18. Review status: reviewed by expert panel. Criteria: ENIGMA BRCA1/2 Classification Criteria (2015). Collection method: curation. Allele origin: germline.
Comment: Variant allele predicted to encode a truncated non-functional protein.

Consortium of Investigators of Modifiers of BRCA1/2 (CIMBA), c/o University of Cambridge
Classification: Pathogenic for Breast-ovarian cancer, familial, susceptibility to, 1. Last evaluated: 2015-10-02. Review status: criteria provided, single submitter. Criteria: CIMBA Mutation Classification guidelines May 2016. Collection method: clinical testing. Allele origin: germline. Not counted in ClinVar's aggregate classification.